The following is an entry in ClinVar:

ClinVar aggregate classification (germline): Pathogenic (1 of 4 stars; one submission).

Conditions:
Charlevoix-Saguenay spastic ataxia (SACS). Also called: SPASTIC ATAXIA 6, AUTOSOMAL RECESSIVE; AUTOSOMAL RECESSIVE SPASTIC ATAXIA OF CHARLEVOIX-SAGUENAY; Spastic ataxia of Charlevoix-Saguenay. Identifiers: Orphanet 98, MedGen C1849140, MONDO:0010041, OMIM 270550.

Submission:

Myriad Genetics, Inc.
Classification: Pathogenic for Charlevoix-Saguenay spastic ataxia. Last evaluated: 2025-06-04. Review status: criteria provided, single submitter. Criteria: Myriad Autosomal Dominant, Autosomal Recessive and X-Linked Classification Criteria (2023). Collection method: clinical testing. Allele origin: unknown.
Comment: NM_014363.4(SACS):c.4622T>G(L1541*) is a nonsense variant classified as pathogenic in the context of autosomal recessive spastic ataxia of Charlevoix-Saguenay. L1541* has not been observed in cases with relevant disease. Relevant functional assessments of this variant are not available in the literature. L1541* has not been observed in referenced population frequency databases. In summary, NM_014363.4(SACS):c.4622T>G(L1541*) is a nonsense variant in a gene where loss of function is a known mechanism of disease and is predicted to disrupt protein function. Please note: this variant was assessed in the context of healthy population screening.

NM_014363.6(SACS):c.4622T>G (p.Leu1541Ter)

Gene: SACS (sacsin molecular chaperone; minus strand). Cytogenetic location: 13q12.12.
Variant type: single nucleotide variant.
Coding change: c.4622T>G on transcript NM_014363.6 (MANE Select); coding-DNA position 4622, T replaced by G.
Protein change: p.Leu1541Ter; replaces leucine 1541 with a stop codon.
Molecular consequence: nonsense.
Genome position (GRCh38, 1-based): chr13:23,339,254, A>C on the plus strand (T>G on the coding strand, the complement: SACS is on the minus strand). VCF-style: chr13-23339254-A-C. GRCh37 (hg19) VCF-style: chr13-23913393-A-C.
Other names: c.4181T>G, p.Leu1394Ter (NM_001278055.2); c.4649T>G, p.Leu1550Ter (NM_001437336.1); short protein forms L1394*, L1541*, L1550*.
Identifiers: ClinVar variation 4081788 (VCV004081788.1).
Genomic context (GRCh38, chr13:23,339,254, plus strand): 5'-TTAAATCCAAGACCAAATTTTCCAACTTTGTCAACTTCTCCCCTTTTTAAAGATTCTCCT[A>C]ACCTAGTTATGTTCACAAAATCTGAATCTGAGAATTGAGAATTGTTGAATGACCACAAAG-3'